The following is an entry in ClinVar:

ClinVar aggregate classification (germline): Pathogenic/Likely pathogenic. Review status: criteria provided, multiple submitters, no conflicts (2 of 4 stars). 12 submissions from 12 submitters: Pathogenic (8); Likely pathogenic (2). 2 of the submissions do not count toward it. Last evaluated 2026-05-18.

Conditions:
AIRE-related disorder. Also called: AIRE-related condition.
Polyglandular autoimmune syndrome, type 1 (APS1). Also called: AUTOIMMUNE POLYENDOCRINE SYNDROME, TYPE I, WITH OR WITHOUT REVERSIBLE METAPHYSEAL DYSPLASIA; APS I; HYPOADRENOCORTICISM WITH HYPOPARATHYROIDISM AND SUPERFICIAL MONILIASIS; Whitaker syndrome; Autoimmune polyendocrinopathy syndrome, type I; PGA I. Identifiers: Orphanet 3453, MedGen C0085859, MONDO:0009411, OMIM 240300.

Allele frequency attached by ClinVar (database versions not stated): gnomAD exomes 0.00002; TOPMed 0.00002; gnomAD 0.00003 and 0.00002; ExAC 0.00001.
gnomAD v4.1: 29 of 1,612,284 alleles (0.0018%); highest among the groups gnomAD compares: Admixed American, 0.0033%; no homozygotes.

Submissions (12):

PreventionGenetics, part of Exact Sciences
Classification: Pathogenic for AIRE-related condition. Last evaluated: 2026-05-18. Review status: criteria provided, single submitter. Criteria: ACMG Guidelines, 2015. Collection method: clinical testing. Allele origin: germline.
Comment: The AIRE c.1616C>T variant is predicted to result in the amino acid substitution p.Pro539Leu. This variant has been reported in the homozygous or compound heterozygous states in multiple individuals with autoimmune polyendocrinopathy-candidiasis-ectodermal dystrophy (APECED) (Meloni et al. 2002. PubMed ID: 11836330; Perry et al. 2005. PubMed ID: 15811934; Meyer et al. 2007. PubMed ID: 17289071; Mazza et al. 2011. PubMed ID: 21295522; Table S1, Zaidi et al. 2017. PubMed ID: 28446514). The p.Pro539Leu missense substitution occurs at the first residue of the proline-rich PxxPxP motif (residues 539-544) at the end of the C-terminus of the protein. The fourth LxxLL and the PxxPxP motifs at the C-terminus are critical for the transactivation capacity of the AIRE protein (Meloni et al. 2008. PubMed ID: 17675238). Meloni et al. demonstrated that the p.Pro539Leu substitution resulted in a reduction of 77% in the transactivation activity. This variant is reported in 0.0058% of alleles in individuals of Latino descent in gnomAD and is interpreted as pathogenic and likely pathogenic in ClinVar (Variation ID: 68218). Taken together, this variant is interpreted as pathogenic.

Natera, Inc.
Classification: Pathogenic for Polyglandular autoimmune syndrome type 1. Last evaluated: 2025-12-18. Review status: criteria provided, single submitter. Criteria: Natera Variant Classification Schema (03/2026). Collection method: clinical testing. Allele origin: germline.
Comment: The c.1616C>T variant in AIRE is a missense variant predicted to cause substitution of proline to leucine at amino acid 539. This variant is rare in the general population with a frequency below the threshold expected for the associated phenotype(s). This variant has been observed in one or more individuals affected with the associated recessive disease, as either homozygous or compound heterozygous with a second variant (PMID: 11836330, 17289071, 22162465). Additionally, this variant has been observed to segregate in affected family members (PMID: 17289071). Computational prediction algorithms indicate this variant is likely to affect gene or protein function. Given the available evidence, this variant is classified as Pathogenic.

Labcorp Genetics (formerly Invitae), Labcorp
Classification: Pathogenic for Polyglandular autoimmune syndrome, type 1. Last evaluated: 2025-09-30. Review status: criteria provided, single submitter. Criteria: Invitae Variant Classification Sherloc (09022015). Collection method: clinical testing. Allele origin: germline.
Comment: This sequence change replaces proline, which is neutral and non-polar, with leucine, which is neutral and non-polar, at codon 539 of the AIRE protein (p.Pro539Leu). This variant is present in population databases (rs179363889, gnomAD 0.006%). This missense change has been observed in individuals with autosomal recessive autoimmune polyendocrinopathy-candidiasis-ectodermal dystrophy (APECED) (PMID: 11836330, 15811934, 17289071, 21295522, 28446514). ClinVar contains an entry for this variant (Variation ID: 68218). Invitae Evidence Modeling of protein sequence and biophysical properties (such as structural, functional, and spatial information, amino acid conservation, physicochemical variation, residue mobility, and thermodynamic stability) has been performed for this missense variant. However, the output from this modeling did not meet the statistical confidence thresholds required to predict the impact of this variant on AIRE protein function. Experimental studies have shown that this missense change affects AIRE function (PMID: 17675238). For these reasons, this variant has been classified as Pathogenic.

Blueprint Genetics
Classification: Pathogenic for AIRE-related disorders. Last evaluated: 2024-10-22. Review status: criteria provided, single submitter. Criteria: ACMG Guidelines, 2015. Collection method: clinical testing. Allele origin: germline. Affected: yes. Observed: 5 variant alleles.

Greenwood Genetic Center Diagnostic Laboratories, Greenwood Genetic Center
Classification: Likely pathogenic for Polyglandular autoimmune syndrome, type 1. Last evaluated: 2024-05-15. Review status: criteria provided, single submitter. Criteria: ACMG Guidelines, 2015. Collection method: clinical testing. Allele origin: germline. Affected: yes.
Comment: PS3, PM3, PM2, PP3

Fulgent Genetics
Classification: Pathogenic for Polyglandular autoimmune syndrome, type 1. Last evaluated: 2024-04-06. Review status: criteria provided, single submitter. Criteria: ACMG Guidelines, 2015. Collection method: clinical testing. Allele origin: germline.

Genomic Medicine Center of Excellence, King Faisal Specialist Hospital and Research Centre
Classification: Likely pathogenic for Polyglandular autoimmune syndrome, type 1. Last evaluated: 2024-03-26. Review status: criteria provided, single submitter. Criteria: ACMG Guidelines, 2015. Collection method: clinical testing. Allele origin: germline.

GeneDx
Classification: Pathogenic. Last evaluated: 2024-03-06. Review status: criteria provided, single submitter. Criteria: GeneDx Variant Classification Process June 2021. Collection method: clinical testing. Allele origin: germline. Affected: yes.
Comment: Published functional studies demonstrate a reduction of transactivation activity compared to normal protein (PMID: 17675238); In silico analysis supports that this missense variant has a deleterious effect on protein structure/function; This variant is associated with the following publications: (PMID: 21295522, 30018023, 15511668, 28446514, 23000069, 12398240, 17289071, 18713028, 15751604, 11836330, 15811934, 34846681, 17675238)

National Institute of Allergy and Infectious Diseases - Centralized Sequencing Program, National Institutes of Health
Classification: Pathogenic for APECED. Last evaluated: 2023-09-14. Review status: criteria provided, single submitter. Criteria: ACMG Guidelines, 2015. Collection method: clinical testing. Allele origin: germline. Affected: yes.

Department of Pathology and Laboratory Medicine, Sinai Health System
Classification: Pathogenic for autoimmune polyendocrine syndrome type 1. Last evaluated: 2022-07-03. Review status: criteria provided, single submitter. Criteria: ACMG Guidelines, 2015. Collection method: research. Allele origin: germline.

Counsyl
Classification: Likely pathogenic for Polyglandular autoimmune syndrome, type 1. Last evaluated: 2016-02-25. Review status: no assertion criteria provided. Collection method: clinical testing. Allele origin: unknown. Not counted in ClinVar's aggregate classification.

UniProtKB/Swiss-Prot
No classification provided. Review status: no classification provided. Collection method: not provided. Allele origin: germline. Not counted in ClinVar's aggregate classification.

Literature cited by the submitters: PubMed 11836330 (cited by 3 submitters); PubMed 17289071 (cited by 3 submitters); PubMed 22162465 (cited by Natera, Inc.); PubMed 15811934 (cited by Labcorp Genetics (formerly Invitae), Labcorp and Counsyl); PubMed 21295522 (cited by Labcorp Genetics (formerly Invitae), Labcorp and Counsyl); PubMed 28446514 (cited by Labcorp Genetics (formerly Invitae), Labcorp and National Institute of Allergy and Infectious Diseases - Centralized Sequencing Program, National Institutes of Health); PubMed 17675238 (cited by Labcorp Genetics (formerly Invitae), Labcorp and Counsyl); PubMed 34846681 (cited by National Institute of Allergy and Infectious Diseases - Centralized Sequencing Program, National Institutes of Health).

NM_000383.4(AIRE):c.1616C>T (p.Pro539Leu)

Gene: AIRE (autoimmune regulator; plus strand). Cytogenetic location: 21q22.3.
Variant type: single nucleotide variant.
Coding change: c.1616C>T on transcript NM_000383.4 (MANE Select); coding-DNA position 1616, C replaced by T.
Protein change: p.Pro539Leu; replaces proline 539 with leucine.
Molecular consequence: missense variant.
Genome position (GRCh38, 1-based): chr21:44,297,705, C>T. VCF-style: chr21-44297705-C-T. GRCh37 (hg19) VCF-style: chr21-45717588-C-T.
Other names: c.1616C>T (LRG_18t1); short protein forms P539L.
Identifiers: ClinVar variation 68218 (VCV000068218.23), dbSNP rs179363889, ClinGen allele CA219194.
Genomic context (GRCh38, chr21:44,297,705, plus strand): 5'-CTGTCCCGCAGCACACCTTCGATGGCATCCTGCAGTGGGCCATCCAGAGCATGGCCCGTC[C>T]GGCGGCCCCCTTCCCCTCCTGACCCCAGATGGCCGGGACATGCAGCTCTGATGAGAGAGT-3'
Protein context (NP_000374.1, residues 529-545): LQWAIQSMAR[Pro539Leu]AAPFPS